The following is an entry in ClinVar:

ClinVar aggregate classification (germline): Pathogenic/Likely pathogenic. Review status: criteria provided, multiple submitters, no conflicts (2 of 4 stars). 6 submissions from 6 submitters: Pathogenic (4); Likely pathogenic (2). Last evaluated 2025-11-25.

Conditions:
Hereditary cancer-predisposing syndrome. Also called: Tumor predisposition; Neoplastic Syndromes, Hereditary; Hereditary neoplastic syndrome; Hereditary Cancer Syndrome. Identifiers: Orphanet 140162, MedGen C0027672, MeSH D009386, MONDO:0015356.
Von Hippel-Lindau syndrome (VHLS). Also called: Von Hippel-Lindau; VHL syndrome; von Hippel–Lindau syndrome. Identifiers: Orphanet 892, MedGen C0019562, MONDO:0008667, OMIM 193300. Disease mechanism: loss of function.
Nonpapillary renal cell carcinoma. Identifiers: Orphanet 422526, MedGen CN074294, MONDO:0007763, OMIM 144700.
Pheochromocytoma. Also called: MAX-Related Hereditary Paraganglioma-Pheochromocytoma Syndrome. Identifiers: Orphanet 29072, MedGen C0031511, MONDO:0008233, OMIM 171300, HP:0002666.
Chuvash polycythemia. Also called: POLYCYTHEMIA, VHL-DEPENDENT. Identifiers: Orphanet 238557, MedGen C1837915, MONDO:0009892, OMIM 263400.

Submissions (6):

Labcorp Genetics (formerly Invitae), Labcorp
Classification: Pathogenic for Von Hippel-Lindau syndrome; Chuvash polycythemia. Last evaluated: 2025-11-25. Review status: criteria provided, single submitter. Criteria: Invitae Variant Classification Sherloc (09022015). Collection method: clinical testing. Allele origin: germline.
Comment: This sequence change affects an acceptor splice site in intron 2 of the VHL gene. While this variant is not anticipated to result in nonsense mediated decay, it likely alters RNA splicing and results in a disrupted protein product. This variant is not present in population databases (gnomAD no frequency). Disruption of this splice site has been observed in individuals with von Hippel-Lindau syndrome (PMID: 8641976, 8707293, 17024664). This variant is also known as variants located at c.677-1 and c.677-2. ClinVar contains an entry for this variant (Variation ID: 43603). Variants that disrupt the consensus splice site are a relatively common cause of aberrant splicing (PMID: 17576681, 9536098). Algorithms developed to predict the effect of sequence changes on RNA splicing suggest that this variant may disrupt the consensus splice site. For these reasons, this variant has been classified as Pathogenic.

Ambry Genetics
Classification: Likely pathogenic for Hereditary cancer-predisposing syndrome. Last evaluated: 2024-11-04. Review status: criteria provided, single submitter. Criteria: Ambry Variant Classification Scheme 2023. Collection method: clinical testing. Allele origin: germline.
Comment: The c.464-1G>A intronic variant results from a G to A substitution one nucleotide upstream from coding exon 3 of the VHL gene. This variant has been observed in at least one individual with a personal and/or family history that is consistent with von Hippel-Lindau syndrome (Ambry internal data, Glavac D et al. Hum Genet, 1996 Sep;98:271-80). This nucleotide position is highly conserved in available vertebrate species. In silico splice site analysis predicts that this alteration will weaken the native splice acceptor site and may result in the creation or strengthening of a novel splice acceptor site; however, direct evidence is insufficient at this time (Ambry internal data). Alterations that disrupt the canonical splice site are expected to cause aberrant splicing, resulting in an abnormal protein or a transcript that is subject to nonsense-mediated mRNA decay. As such, this alteration is classified as likely pathogenic.

Fulgent Genetics
Classification: Likely pathogenic for Nonpapillary renal cell carcinoma; Pheochromocytoma; Von Hippel-Lindau syndrome; Chuvash polycythemia. Last evaluated: 2024-06-17. Review status: criteria provided, single submitter. Criteria: ACMG Guidelines, 2015. Collection method: clinical testing. Allele origin: germline.

Genomic Diagnostic Laboratory, Division of Genomic Diagnostics, Children's Hospital of Philadelphia
Classification: Pathogenic for von Hippel-Lindau syndrome. Last evaluated: 2018-08-01. Review status: criteria provided, single submitter. Criteria: DGD Variant Analysis Guidelines. Collection method: clinical testing. Allele origin: germline. Affected: yes. Observed: 1 variant allele.

Eurofins Ntd Llc (ga)
Classification: Pathogenic. Last evaluated: 2015-05-26. Review status: criteria provided, single submitter. Criteria: EGL Classification Definitions 2015. Collection method: clinical testing. Allele origin: germline. Observed: 1 variant allele, 1 heterozygote.

Laboratory for Molecular Medicine, Mass General Brigham Personalized Medicine
Classification: Pathogenic for Von Hippel-Lindau syndrome. Last evaluated: 2011-01-28. Review status: criteria provided, single submitter. Criteria: LMM Criteria. Collection method: clinical testing. Allele origin: germline. Observed: 1 variant allele.
Comment: The 464-1G>A variant has been reported in an individual with VHL syndrome (Glava c 1996). In addition, two similar variants have been reported; 464-1G>T has been reported in three individuals with VHL across three studies and 464-1G>C has be en reported in two individuals with VHL (Crossey 1994, Clinical Research Group f or VHL in Japan 1995, Kanno 1996Ong 2007). Furthermore, the 464-1G>A variant has been identified and confirmed as a somatic variant in renal cell carcinomas (va n Houwelingen 2005, Brauch 2000, Lemm 1999, Banks 2006, COSMIC). This variant is predicted to cause abnormal splicing because the nucleotide substitution occurs in the highly conserved splice consensus sequence. Therefore, this variant is h ighly likely to be pathogenic. Please note this variant has been reported in the literature as 677-1G>A as authors of older manuscripts have numbered the nucleo tides from the start of transcription rather than the start of translation of VH L.

Literature cited by the submitters: PubMed 8641976 (cited by Labcorp Genetics (formerly Invitae), Labcorp and Laboratory for Molecular Medicine, Mass General Brigham Personalized Medicine); PubMed 8707293 (cited by 4 submitters); PubMed 17024664 (cited by Labcorp Genetics (formerly Invitae), Labcorp and Laboratory for Molecular Medicine, Mass General Brigham Personalized Medicine); PubMed 17576681 (cited by Labcorp Genetics (formerly Invitae), Labcorp); PubMed 9536098 (cited by Labcorp Genetics (formerly Invitae), Labcorp); PubMed 15932632 (cited by Laboratory for Molecular Medicine, Mass General Brigham Personalized Medicine); PubMed 10766184 (cited by Laboratory for Molecular Medicine, Mass General Brigham Personalized Medicine); PubMed 10326868 (cited by Laboratory for Molecular Medicine, Mass General Brigham Personalized Medicine); PubMed 16488999 (cited by Laboratory for Molecular Medicine, Mass General Brigham Personalized Medicine); PubMed 7987306 (cited by Laboratory for Molecular Medicine, Mass General Brigham Personalized Medicine).

NM_000551.4(VHL):c.464-1G>A

Genes: VHL (von Hippel-Lindau tumor suppressor; plus strand), LOC107303340 (3p25 von Hippel-Lindau tumor suppressor, E3 ubiquitin protein ligase Alu-mediated recombination region; plus strand). Cytogenetic location: 3p25.3.
Variant type: single nucleotide variant.
Coding change: c.464-1G>A on transcript NM_000551.4 (MANE Select); the canonical splice acceptor site of the intron before coding-DNA position 464, G replaced by A.
Molecular consequence: splice acceptor variant.
Genome position (GRCh38, 1-based): chr3:10,149,786, G>A. VCF-style: chr3-10149786-G-A. GRCh37 (hg19) VCF-style: chr3-10191470-G-A.
Other names: c.*18-1G>A (NM_001354723.2); c.341-1G>A (NM_198156.3).
Identifiers: ClinVar variation 43603 (VCV000043603.21), dbSNP rs5030817, ClinGen allele CA020389.